The following is an entry in ClinVar:

NM_001555.5(IGSF1):c.683C>T (p.Pro228Leu)

Gene: IGSF1 (immunoglobulin superfamily member 1; minus strand). Cytogenetic location: Xq26.1.
Variant type: single nucleotide variant.
Coding change: c.683C>T on transcript NM_001555.5 (MANE Select); coding-DNA position 683, C replaced by T.
Protein change: p.Pro228Leu; replaces proline 228 with leucine.
Molecular consequence: missense variant.
Genome position (GRCh38, 1-based): chrX:131,283,249, G>A on the plus strand (C>T on the coding strand, the complement: IGSF1 is on the minus strand). VCF-style: chrX-131283249-G-A. GRCh37 (hg19) VCF-style: chrX-130417223-G-A.
Other names: c.683C>T, p.Pro228Leu (NM_001170961.2); c.656C>T, p.Pro219Leu (NM_001170962.2); short protein forms P219L, P228L.
Identifiers: ClinVar variation 2443593 (VCV002443593.1), dbSNP rs2522265115, ClinGen allele CA414580309.

ClinVar aggregate classification (germline): Uncertain significance (1 of 4 stars; one submission).

Allele frequency attached by ClinVar (database versions not stated): gnomAD exomes 0.00001.
gnomAD v4.1: 9 of 1,206,786 alleles (0.00075%); highest among the groups gnomAD compares: Non-Finnish European, 0.0009%; no homozygotes.

Submission:

GeneDx
Classification: Uncertain significance. Last evaluated: 2023-03-10. Review status: criteria provided, single submitter. Criteria: GeneDx Variant Classification Process June 2021. Collection method: clinical testing. Allele origin: germline. Affected: yes.
Comment: Not observed in large population cohorts (gnomAD); In silico analysis supports that this missense variant has a deleterious effect on protein structure/function; Has not been previously published as pathogenic or benign to our knowledge